The following is an entry in ClinVar:

ClinVar aggregate classification (germline): Pathogenic (1 of 4 stars; one submission).

Conditions:
Glycine encephalopathy. Also called: Nonketotic hyperglycinemia; Non-ketotic hyperglycinemia. Identifiers: Orphanet 407, MedGen C0751748, MONDO:0011612, HP:0008288.

Submission:

Labcorp Genetics (formerly Invitae), Labcorp
Classification: Pathogenic for Glycine encephalopathy. Last evaluated: 2024-08-06. Review status: criteria provided, single submitter. Criteria: Invitae Variant Classification Sherloc (09022015). Collection method: clinical testing. Allele origin: germline.
Comment: This sequence change creates a premature translational stop signal (p.Thr702Profs*25) in the GLDC gene. It is expected to result in an absent or disrupted protein product. Loss-of-function variants in GLDC are known to be pathogenic (PMID: 16601880). This variant is not present in population databases (gnomAD no frequency). This variant has not been reported in the literature in individuals affected with GLDC-related conditions. For these reasons, this variant has been classified as Pathogenic.

Literature cited by the submitters: PubMed 16601880.

NM_000170.3(GLDC):c.2104del (p.Thr702fs)

Gene: GLDC (glycine decarboxylase; minus strand). Cytogenetic location: 9p24.1.
Variant type: Deletion.
Coding change: c.2104del on transcript NM_000170.3 (MANE Select); coding-DNA position 2104, one base deleted (A; older notation c.2104delA).
Protein change: p.Thr702fs; shifts the reading frame from threonine 702.
Molecular consequence: frameshift variant.
Genome position (GRCh38, 1-based): chr9:6,556,251, T deleted on the plus strand (A on the coding strand, the reverse complement: GLDC is on the minus strand). VCF-style (leftmost placement, unchanged base first): chr9-6556250-GT-G. GRCh37 (hg19) VCF-style: chr9-6556250-GT-G.
Other names: short protein forms T702fs.
Identifiers: ClinVar variation 3661018 (VCV003661018.2).
Genomic context (GRCh38, chr9:6,556,250, plus strand): 5'-CCTCCATGTTGATGGATGAGGTCACACACGTCACTGATGTTCTCTTCAAACACCCCATTG[GT>G]GGATGGGTATGTAATCATGATAGCTGCTAGGTTCTCCTTGTGCTTATCCACCTGTGAAAG-3'